The following is an entry in ClinVar:

NM_000545.8(HNF1A):c.685C>A (p.Arg229=)

Gene: HNF1A (HNF1 homeobox A; plus strand). Cytogenetic location: 12q24.31.
Variant type: single nucleotide variant.
Coding change: c.685C>A on transcript NM_000545.8 (MANE Select); coding-DNA position 685, C replaced by A.
Protein change: p.Arg229=; no amino-acid change (arginine 229 retained).
Molecular consequence: synonymous variant.
Genome position (GRCh38, 1-based): chr12:120,993,678, C>A. VCF-style: chr12-120993678-C-A. GRCh37 (hg19) VCF-style: chr12-121431481-C-A.
Other names: c.685C>A, p.Arg229= (NM_001306179.2).
Identifiers: ClinVar variation 698851 (VCV000698851.13), dbSNP rs769086289, ClinGen allele CA6831795.

ClinVar aggregate classification (germline): Likely benign. Review status: criteria provided, multiple submitters, no conflicts (2 of 4 stars). 5 submissions from 5 submitters: Likely benign (4). 1 of the submissions does not count toward it. Last evaluated 2026-09-01.

Conditions:
Diabetes mellitus type 1 (T1D). Also called: Diabetes Mellitus, Juvenile-Onset; Type I diabetes mellitus. Identifiers: MedGen C0011854, MONDO:0005147, OMIM 222100, HP:0100651.
Maturity-onset diabetes of the young type 3. Also called: MODY, type III; MODY type 3. Identifiers: Orphanet 552, MedGen C1838100, MeSH C563933, MONDO:0010894, OMIM 600496. Disease mechanism: loss of function.
Hepatic adenomas, familial. Also called: LIVER CELL ADENOMAS, FAMILIAL; HEPATIC ADENOMA, SOMATIC. Identifiers: MedGen C1840646, MONDO:0007718, OMIM 142330.
Type 1 diabetes mellitus 20 (T1D20). Also called: Diabetes mellitus, insulin-dependent, 20. Identifiers: MedGen C2675866, MONDO:0012919, OMIM 612520.
Type 2 diabetes mellitus. Also called: Type II diabetes mellitus. Identifiers: MedGen C0011860, MeSH D003924, MONDO:0005148, OMIM 125853, HP:0005978.
Nonpapillary renal cell carcinoma. Identifiers: Orphanet 422526, MedGen CN074294, MONDO:0007763, OMIM 144700.
Maturity-onset diabetes of the young (MODY). Also called: Maturity onset diabetes mellitus in young. Identifiers: Orphanet 552, MedGen C0342276, MONDO:0018911, HP:0004904.

Allele frequency attached by ClinVar (database versions not stated): gnomAD 0.00001; TOPMed 0.00002.
gnomAD v4.1: 12 of 1,613,844 alleles (0.00074%); highest among the groups gnomAD compares: Admixed American, 0.015%; no homozygotes.

Submissions (5):

CeGaT Center for Human Genetics Tuebingen
Classification: Likely benign. Last evaluated: 2026-09-01. Review status: criteria provided, single submitter. Criteria: CeGaT Center For Human Genetics Tuebingen Variant Classification Criteria Version 2. Collection method: clinical testing. Allele origin: germline. Affected: yes. Observed: 1 variant allele.
Comment: HNF1A: BP4, BP7

Labcorp Genetics (formerly Invitae), Labcorp
Classification: Likely benign. Last evaluated: 2024-11-19. Review status: criteria provided, single submitter. Criteria: Invitae Variant Classification Sherloc (09022015). Collection method: clinical testing. Allele origin: germline.

Women's Health and Genetics/Laboratory Corporation of America, LabCorp
Classification: Likely benign. Last evaluated: 2023-12-12. Review status: criteria provided, single submitter. Criteria: LabCorp Variant Classification Summary - May 2015. Collection method: clinical testing. Allele origin: germline.

Fulgent Genetics
Classification: Likely benign for Type 2 diabetes mellitus; Hepatic adenomas, familial; Nonpapillary renal cell carcinoma; Diabetes mellitus type 1; Maturity-onset diabetes of the young type 3; Type 1 diabetes mellitus 20. Last evaluated: 2021-08-18. Review status: criteria provided, single submitter. Criteria: ACMG Guidelines, 2015. Collection method: clinical testing. Allele origin: unknown.

Clinical Genomics, Uppaluri K&H Personalized Medicine Clinic
Classification: Pathogenic for Maturity-onset diabetes of the young. Review status: flagged submission. Criteria: K & H Uppaluri Personalized Medicine Clinic Variant Classification & Assertion Criteria_Updated V.1. Collection method: research. Allele origin: unknown. Inheritance: Autosomal dominant inheritance. Not counted in ClinVar's aggregate classification.
Comment: Mutations in HNF1A gene can predispose to MODY3. It is associated with both micro and macrovascular complications of diabetes, especially cardiovascular complications. Associated with glucosuria. May respond well to sulfonylureas. Sufficient evidence is found to confer the association of this particular variant rs769086289 with MODY3.
ClinVar note: Reason: Outlier claim with insufficient supporting evidence

Literature cited by the submitters: PubMed 34161864 (cited by Clinical Genomics, Uppaluri K&H Personalized Medicine Clinic).